The following is an entry in ClinVar:

NM_000095.3(COMP):c.1240_1254del (p.Ser414_Gln418del)

Gene: COMP (cartilage oligomeric matrix protein; minus strand). Cytogenetic location: 19p13.11.
Variant type: Deletion.
Coding change: c.1240_1254del on transcript NM_000095.3 (MANE Select); coding-DNA positions 1240 to 1254, 15 bases deleted (AGCAACCCGGATCAG).
Protein change: p.Ser414_Gln418del.
Molecular consequence: inframe deletion.
Genome position (GRCh38, 1-based): chr19:18,786,532-18,786,546, CTGATCCGGGTTGCT deleted on the plus strand (AGCAACCCGGATCAG on the coding strand, the reverse complement: COMP is on the minus strand); deleting any 15 consecutive bases within chr19:18,786,532-18,786,548 gives the same sequence; the c. name uses the placement nearest the transcript's 3' end. VCF-style (leftmost placement, unchanged base first): chr19-18786531-CCTGATCCGGGTTGCT-C. GRCh37 (hg19) VCF-style: chr19-18897341-CCTGATCCGGGTTGCT-C.
Identifiers: ClinVar variation 4729243 (VCV004729243.1).

ClinVar aggregate classification (germline): Uncertain significance (1 of 4 stars; one submission).

Submission:

Labcorp Genetics (formerly Invitae), Labcorp
Classification: Uncertain significance. Last evaluated: 2025-10-14. Review status: criteria provided, single submitter. Criteria: Invitae Variant Classification Sherloc (09022015). Collection method: clinical testing. Allele origin: germline.
Comment: This variant, c.1240_1254del, results in the deletion of 5 amino acid(s) of the COMP protein (p.Ser414_Gln418del), but otherwise preserves the integrity of the reading frame. This variant is not present in population databases (gnomAD no frequency). This variant has been observed in individual(s) with clinical features of multiple epiphyseal dysplasia (internal data). Experimental studies and prediction algorithms are not available or were not evaluated, and the functional significance of this variant is currently unknown. In summary, the available evidence is currently insufficient to determine the role of this variant in disease. Therefore, it has been classified as a Variant of Uncertain Significance.